The following is an entry in ClinVar:

ClinVar aggregate classification (germline): Likely benign (1 of 4 stars; one submission).

Conditions:
BAP1-related tumor predisposition syndrome (TPDS1). Also called: BAP1 tumor predisposition syndrome; Tumor susceptibility linked to germline BAP1 mutations; COMMON Syndrome; TUMOR PREDISPOSITION SYNDROME 1. Identifiers: Orphanet 289539, MedGen C3280492, MONDO:0013692, OMIM 614327.

Submission:

Myriad Genetics, Inc.
Classification: Likely benign for BAP1-related tumor predisposition syndrome. Last evaluated: 2024-07-17. Review status: criteria provided, single submitter. Criteria: Myriad Autosomal Dominant, Autosomal Recessive and X-Linked Classification Criteria (2023). Collection method: clinical testing. Allele origin: unknown.
Comment: This variant is considered likely benign. This variant is intronic and is not expected to impact mRNA splicing.

NM_004656.4(BAP1):c.1891-19C>T

Gene: BAP1 (BRCA1 associated deubiquitinase 1; minus strand). Cytogenetic location: 3p21.1.
Variant type: single nucleotide variant.
Coding change: c.1891-19C>T on transcript NM_004656.4 (MANE Select); 19 bases into the intron before coding-DNA position 1891, C replaced by T.
Molecular consequence: intron variant.
Genome position (GRCh38, 1-based): chr3:52,402,890, G>A on the plus strand (C>T on the coding strand, the complement: BAP1 is on the minus strand). VCF-style: chr3-52402890-G-A. GRCh37 (hg19) VCF-style: chr3-52436906-G-A.
Other names: c.1837-19C>T (NM_001410772.1).
Identifiers: ClinVar variation 3379226 (VCV003379226.1).